The following is an entry in ClinVar:

NM_058195.4(CDKN2A):c.39C>T (p.Arg13=)

Gene: CDKN2A (cyclin dependent kinase inhibitor 2A; minus strand). Cytogenetic location: 9p21.3.
Variant type: single nucleotide variant.
Coding change: c.39C>T on transcript NM_058195.4 (MANE Plus Clinical); coding-DNA position 39, C replaced by T.
Protein change: p.Arg13=; no amino-acid change (arginine 13 retained).
Molecular consequence: synonymous variant. On other transcripts: intron variant (1).
Genome position (GRCh38, 1-based): chr9:21,994,293, G>A on the plus strand (C>T on the coding strand, the complement: CDKN2A is on the minus strand). VCF-style: chr9-21994293-G-A. GRCh37 (hg19) VCF-style: chr9-21994292-G-A.
Other names: c.-4+528C>T (NM_001363763.2).
Identifiers: ClinVar variation 660058 (VCV000660058.10), dbSNP rs747061582, ClinGen allele CA5012400.

ClinVar aggregate classification (germline): Conflicting classifications of pathogenicity. Review status: criteria provided, conflicting classifications (1 of 4 stars). 3 submissions from 3 submitters: Uncertain significance (1); Benign (1); Likely benign (1). Last evaluated 2025-08-12.

Conditions:
Melanoma-pancreatic cancer syndrome. Identifiers: Orphanet 404560, MedGen C1838547, MONDO:0011713, OMIM 606719. Disease mechanism: loss of function.
Familial melanoma. Also called: Hereditary melanoma; Hereditary cutaneous melanoma. Identifiers: Orphanet 618, MedGen C1512419, MONDO:0018961.
Hereditary cancer-predisposing syndrome. Also called: Tumor predisposition; Hereditary neoplastic syndrome; Neoplastic Syndromes, Hereditary; Hereditary Cancer Syndrome. Identifiers: Orphanet 140162, MedGen C0027672, MeSH D009386, MONDO:0015356.

Allele frequency attached by ClinVar (database versions not stated): gnomAD exomes 0.00001 and below 0.00001; TOPMed 0.00001; ExAC 0.00002.
gnomAD v4.1: 5 of 1,604,152 alleles (0.00031%); highest among the groups gnomAD compares: East Asian, 0.0022%; no homozygotes.

Submissions (3):

Myriad Genetics, Inc.
Classification: Benign for Melanoma-pancreatic cancer syndrome. Last evaluated: 2025-08-12. Review status: criteria provided, single submitter. Criteria: Myriad Autosomal Dominant, Autosomal Recessive and X-Linked Classification Criteria (2023). Collection method: clinical testing. Allele origin: unknown.
Comment: This variant is considered benign. This variant is a silent/synonymous amino acid change and it is not expected to impact splicing.

Labcorp Genetics (formerly Invitae), Labcorp
Classification: Uncertain significance for Familial melanoma. Last evaluated: 2021-09-16. Review status: criteria provided, single submitter. Criteria: Invitae Variant Classification Sherloc (09022015). Collection method: clinical testing. Allele origin: germline.

Ambry Genetics
Classification: Likely benign for Hereditary cancer-predisposing syndrome. Last evaluated: 2021-03-23. Review status: criteria provided, single submitter. Criteria: Ambry Variant Classification Scheme 2023. Collection method: clinical testing. Allele origin: germline.